The following is an entry in ClinVar:

NM_139057.4(ADAMTS17):c.1541C>G (p.Pro514Arg)

Gene: ADAMTS17 (ADAM metallopeptidase with thrombospondin type 1 motif 17; minus strand). Cytogenetic location: 15q26.3.
Variant type: single nucleotide variant.
Coding change: c.1541C>G on transcript NM_139057.4 (MANE Select); coding-DNA position 1541, C replaced by G.
Protein change: p.Pro514Arg; replaces proline 514 with arginine.
Molecular consequence: missense variant.
Genome position (GRCh38, 1-based): chr15:100,133,248, G>C on the plus strand (C>G on the coding strand, the complement: ADAMTS17 is on the minus strand). VCF-style: chr15-100133248-G-C. GRCh37 (hg19) VCF-style: chr15-100673453-G-C.
Other names: short protein forms P514R.
Identifiers: ClinVar variation 2181128 (VCV002181128.4), dbSNP rs1165219013, ClinGen allele CA393933871.

ClinVar aggregate classification (germline): Uncertain significance (1 of 4 stars; one submission).

Allele frequency attached by ClinVar (database versions not stated): gnomAD 0.00002.
gnomAD v4.1: 5 of 1,599,408 alleles (0.00031%); highest among the groups gnomAD compares: African/African-American, 0.0053%; no homozygotes.

Submission:

Labcorp Genetics (formerly Invitae), Labcorp
Classification: Uncertain significance. Last evaluated: 2021-11-12. Review status: criteria provided, single submitter. Criteria: Invitae Variant Classification Sherloc (09022015). Collection method: clinical testing. Allele origin: germline.
Comment: Algorithms developed to predict the effect of missense changes on protein structure and function are either unavailable or do not agree on the potential impact of this missense change (SIFT: "Not Available"; PolyPhen-2: "Probably Damaging"; Align-GVGD: "Not Available"). In summary, the available evidence is currently insufficient to determine the role of this variant in disease. Therefore, it has been classified as a Variant of Uncertain Significance. This variant has not been reported in the literature in individuals affected with ADAMTS17-related conditions. This variant is present in population databases (no rsID available, gnomAD 0.01%). This sequence change replaces proline, which is neutral and non-polar, with arginine, which is basic and polar, at codon 514 of the ADAMTS17 protein (p.Pro514Arg).